The following is an entry in ClinVar:

NM_206937.2(LIG4):c.-37C>G

Gene: LIG4 (DNA ligase 4; minus strand). Cytogenetic location: 13q33.3.
Variant type: single nucleotide variant.
Coding change: c.-37C>G on transcript NM_206937.2 (MANE Select); 37 bases upstream of the start codon, C replaced by G.
Molecular consequence: 5 prime UTR variant. On other transcripts: missense variant (1), intron variant (2).
Genome position (GRCh38, 1-based): chr13:108,214,546, G>C on the plus strand (C>G on the coding strand, the complement: LIG4 is on the minus strand). VCF-style: chr13-108214546-G-C. GRCh37 (hg19) VCF-style: chr13-108866894-G-C.
Other names: c.-158C>G (NM_001330595.2); c.-37C>G (NM_001352599.2, NM_001352600.2, NM_001352601.2 and 4 more transcripts); c.80C>G, p.Pro27Arg (NM_001352604.2); c.-28-3250C>G (NM_001098268.2); c.-29+16C>G (NM_001352598.2); short protein forms P27R.
Identifiers: ClinVar variation 3051145 (VCV003051145.2), dbSNP rs556393792, ClinGen allele CA256190472.

ClinVar aggregate classification (germline): Likely benign (0 of 4 stars; one submission).

Conditions:
LIG4-related disorder. Also called: LIG4-related disorders; LIG4-related condition. Identifiers: MedGen CN239380.

Allele frequency attached by ClinVar (database versions not stated): 1000 Genomes Project 0.00160; TOPMed 0.00178; 1000 Genomes Project 30x 0.00187.

Submission:

PreventionGenetics, part of Exact Sciences
Classification: Likely benign for LIG4-related condition. Last evaluated: 2022-05-10. Review status: no assertion criteria provided. Collection method: clinical testing. Allele origin: germline.
Comment: This variant is classified as likely benign based on ACMG/AMP sequence variant interpretation guidelines (Richards et al. 2015 PMID: 25741868, with internal and published modifications).